The following is an entry in ClinVar:

ClinVar aggregate classification (germline): Uncertain significance (1 of 4 stars; one submission).

Conditions:
Predisposition to invasive fungal disease due to CARD9 deficiency (IMD103). Also called: Candidiasis, familial, 2, autosomal recessive; CARD9 IMMUNODEFICIENCY; IMMUNODEFICIENCY 103, SUSCEPTIBILITY TO FUNGAL INFECTIONS. Identifiers: Orphanet 457088, MedGen C1859353, MONDO:0008905, OMIM 212050.

Submission:

Labcorp Genetics (formerly Invitae), Labcorp
Classification: Uncertain significance for Predisposition to invasive fungal disease due to CARD9 deficiency. Last evaluated: 2020-08-23. Review status: criteria provided, single submitter. Criteria: Invitae Variant Classification Sherloc (09022015). Collection method: clinical testing. Allele origin: germline.
Comment: This variant results in a copy number gain of the genomic region encompassing the full coding sequence of the CARD9 gene. The boundaries of this event are unknown as they extend beyond the assayed region for this gene and therefore may encompass additional genes. As the precise location of this event is unknown, it may be in tandem or it may be located elsewhere in the genome. This variant has not been reported in the literature in individuals with CARD9-related conditions. In summary, the available evidence is currently insufficient to determine the role of this variant in disease. Therefore, it has been classified as a Variant of Uncertain Significance.

NC_000009.11:g.(?_139258557)_(139266550_?)dup

Gene: CARD9 (caspase recruitment domain family member 9; minus strand). Cytogenetic location: 9q34.3.
Variant type: Duplication.
Identifiers: ClinVar variation 1008419 (VCV001008419.1).